The following is an entry in ClinVar:

ClinVar aggregate classification (germline): Uncertain significance (1 of 4 stars; one submission).

gnomAD v4.1: 1 of 1,611,978 alleles (0.000062%); highest among the groups gnomAD compares: Non-Finnish European, 0.000085%; no homozygotes.

Submission:

Labcorp Genetics (formerly Invitae), Labcorp
Classification: Uncertain significance. Last evaluated: 2023-05-09. Review status: criteria provided, single submitter. Criteria: Invitae Variant Classification Sherloc (09022015). Collection method: clinical testing. Allele origin: germline.
Comment: This variant has not been reported in the literature in individuals affected with C7-related conditions. ClinVar contains an entry for this variant (Variation ID: 2051976). Advanced modeling of protein sequence and biophysical properties (such as structural, functional, and spatial information, amino acid conservation, physicochemical variation, residue mobility, and thermodynamic stability) performed at Invitae indicates that this missense variant is not expected to disrupt C7 protein function. In summary, the available evidence is currently insufficient to determine the role of this variant in disease. Therefore, it has been classified as a Variant of Uncertain Significance. This variant is not present in population databases (gnomAD no frequency). This sequence change replaces isoleucine, which is neutral and non-polar, with phenylalanine, which is neutral and non-polar, at codon 377 of the C7 protein (p.Ile377Phe).

NM_000587.4(C7):c.1129A>T (p.Ile377Phe)

Gene: C7 (complement C7; plus strand). Cytogenetic location: 5p13.1.
Variant type: single nucleotide variant.
Coding change: c.1129A>T on transcript NM_000587.4 (MANE Select); coding-DNA position 1129, A replaced by T.
Protein change: p.Ile377Phe; replaces isoleucine 377 with phenylalanine.
Molecular consequence: missense variant.
Genome position (GRCh38, 1-based): chr5:40,955,422, A>T. VCF-style: chr5-40955422-A-T. GRCh37 (hg19) VCF-style: chr5-40955524-A-T.
Other names: short protein forms I377F.
Identifiers: ClinVar variation 2051976 (VCV002051976.4), dbSNP rs1434381935, ClinGen allele CA359584680.
Genomic context (GRCh38, chr5:40,955,422, plus strand): 5'-TTTTCATTTGCTTTCTTCTGTATAGGAACCCAGAACAATGTATTGCGAGGAGAACCGTTC[A>T]TCAGAGGGGGAGGTGCAGGCTTCATATCTGGCCTTAGTTACCTAGAGCTGGACAATCCTG-3'
Protein context (NP_000578.2, residues 367-387): QNNVLRGEPF[Ile377Phe]RGGGAGFISG